The following is an entry in ClinVar:

NM_001843.4(CNTN1):c.2419+45G>T

Gene: CNTN1 (contactin 1; plus strand). Cytogenetic location: 12q12.
Variant type: single nucleotide variant.
Coding change: c.2419+45G>T on transcript NM_001843.4 (MANE Select); 45 bases into the intron after coding-DNA position 2419, G replaced by T.
Molecular consequence: intron variant.
Genome position (GRCh38, 1-based): chr12:41,016,961, G>T. VCF-style: chr12-41016961-G-T. GRCh37 (hg19) VCF-style: chr12-41410763-G-T.
Other names: c.2386+45G>T (NM_175038.2).
Identifiers: ClinVar variation 672458 (VCV000672458.2), dbSNP rs56236911, ClinGen allele CA6517128.

ClinVar aggregate classification (germline): Benign. Review status: criteria provided, multiple submitters, no conflicts (2 of 4 stars). 2 submissions from 2 submitters: Benign (2). Last evaluated 2018-06-16.

Allele frequency attached by ClinVar (database versions not stated): 1000 Genomes Project 0.02017; 1000 Genomes Project 30x 0.02077; TOPMed 0.03495; ESP Exome Variant Server 0.03929; gnomAD 0.04057 and 0.04112.
gnomAD v4.1: 80,597 of 1,490,466 alleles (5.4%); highest among the groups gnomAD compares: Non-Finnish European, 6%; 2,629 homozygotes.

Submissions (2):

GeneDx
Classification: Benign. Last evaluated: 2018-06-16. Review status: criteria provided, single submitter. Criteria: GeneDx Variant Classification (06012015). Collection method: clinical testing. Allele origin: germline. Affected: yes.
Comment: This variant is considered likely benign or benign based on one or more of the following criteria: it is a conservative change, it occurs at a poorly conserved position in the protein, it is predicted to be benign by multiple in silico algorithms, and/or has population frequency not consistent with disease.

Breakthrough Genomics
Classification: Benign. Review status: criteria provided, single submitter. Criteria: ACMG Guidelines, 2015. Collection method: not provided. Allele origin: germline. Inheritance: Autosomal recessive inheritance. Affected: yes.